The following is an entry in ClinVar:

NM_005120.3(MED12):c.4047+14G>A

Gene: MED12 (mediator complex subunit 12; plus strand). Cytogenetic location: Xq13.1.
Variant type: single nucleotide variant.
Coding change: c.4047+14G>A on transcript NM_005120.3 (MANE Select); 14 bases into the intron after coding-DNA position 4047, G replaced by A.
Molecular consequence: intron variant.
Genome position (GRCh38, 1-based): chrX:71,130,228, G>A. VCF-style: chrX-71130228-G-A. GRCh37 (hg19) VCF-style: chrX-70350078-G-A.
Identifiers: ClinVar variation 403079 (VCV000403079.10), dbSNP rs774488297, ClinGen allele CA10444581.

ClinVar aggregate classification (germline): Likely benign. Review status: criteria provided, multiple submitters, no conflicts (2 of 4 stars). 3 submissions from 3 submitters: Likely benign (3). Last evaluated 2025-11-24.

Conditions:
FG syndrome (FGS). Identifiers: MedGen C0220769, MONDO:0002010.

Allele frequency attached by ClinVar (database versions not stated): gnomAD 0.00001; TOPMed 0.00001; ExAC 0.00004.
gnomAD v4.1: 30 of 1,196,172 alleles (0.0025%); highest among the groups gnomAD compares: South Asian, 0.031%; no homozygotes.

Submissions (3):

Labcorp Genetics (formerly Invitae), Labcorp
Classification: Likely benign for FG syndrome. Last evaluated: 2025-11-24. Review status: criteria provided, single submitter. Criteria: Invitae Variant Classification Sherloc (09022015). Collection method: clinical testing. Allele origin: germline.

Blueprint Genetics
Classification: Likely benign. Last evaluated: 2021-11-07. Review status: criteria provided, single submitter. Criteria: ACMG Guidelines, 2015. Collection method: clinical testing. Allele origin: germline.

Laboratory for Molecular Medicine, Mass General Brigham Personalized Medicine
Classification: Likely benign. Last evaluated: 2016-03-29. Review status: criteria provided, single submitter. Criteria: LMM Criteria. Collection method: clinical testing. Allele origin: germline.
Comment: Variant identified in a genome or exome case(s) and assessed due to predicted null impact of the variant or pathogenic assertions in the literature or databases. Disclaimer: This variant has not undergone full assessment. The following are preliminary notes: Outside splice consensus, 1/5646 South Asian chromosomes in ExAC